The following is an entry in ClinVar:

ClinVar aggregate classification (germline): Likely benign (1 of 4 stars; one submission).

Conditions:
PNPO-related disorder. Also called: PNPO-related disorders; PNPO-related condition.

gnomAD v4.1: 3 of 1,525,484 alleles (0.0002%); highest among the groups gnomAD compares: Non-Finnish European, 0.00027%; no homozygotes.

Submission:

PreventionGenetics, part of Exact Sciences
Classification: Likely benign for PNPO-related condition. Last evaluated: 2025-06-25. Review status: criteria provided, single submitter. Criteria: ACMG Guidelines, 2015. Collection method: clinical testing. Allele origin: germline.
Comment: This variant is classified as likely benign based on ACMG/AMP sequence variant interpretation guidelines (Richards et al. 2015 PMID: 25741868, with internal and published modifications).

NM_018129.4(PNPO):c.-7G>A

Gene: PNPO (pyridoxamine 5'-phosphate oxidase; plus strand). Cytogenetic location: 17q21.32.
Variant type: single nucleotide variant.
Coding change: c.-7G>A on transcript NM_018129.4 (MANE Select); 7 bases upstream of the start codon, G replaced by A.
Molecular consequence: 5 prime UTR variant.
Genome position (GRCh38, 1-based): chr17:47,941,669, G>A. VCF-style: chr17-47941669-G-A. GRCh37 (hg19) VCF-style: chr17-46019035-G-A.
Other names: c.-7G>A (NM_001436305.1).
Identifiers: ClinVar variation 4988522 (VCV004988522.1).